The following is an entry in ClinVar:

ClinVar aggregate classification (germline): Uncertain significance. Review status: criteria provided, multiple submitters, no conflicts (2 of 4 stars). 2 submissions from 2 submitters: Uncertain significance (2). Last evaluated 2024-11-27.

Conditions:
Cystic fibrosis (CF). Also called: MUCOVISCIDOSIS. Identifiers: Orphanet 586, MedGen C0010674, MONDO:0009061, OMIM 219700. Disease mechanism: loss of function.

Allele frequency attached by ClinVar (database versions not stated): ExAC 0.00002; gnomAD exomes below 0.00001; gnomAD 0.00001; TOPMed 0.00002.
gnomAD v4.1: 3 of 1,613,910 alleles (0.00019%); highest among the groups gnomAD compares: African/African-American, 0.0027%; no homozygotes.

Submissions (2):

Labcorp Genetics (formerly Invitae), Labcorp
Classification: Uncertain significance for Cystic fibrosis. Last evaluated: 2024-11-27. Review status: criteria provided, single submitter. Criteria: Invitae Variant Classification Sherloc (09022015). Collection method: clinical testing. Allele origin: germline.
Comment: This sequence change replaces alanine, which is neutral and non-polar, with serine, which is neutral and polar, at codon 234 of the CFTR protein (p.Ala234Ser). This variant is present in population databases (rs763097577, gnomAD 0.003%). This variant has not been reported in the literature in individuals affected with CFTR-related conditions. ClinVar contains an entry for this variant (Variation ID: 1756683). Invitae Evidence Modeling of protein sequence and biophysical properties (such as structural, functional, and spatial information, amino acid conservation, physicochemical variation, residue mobility, and thermodynamic stability) indicates that this missense variant is not expected to disrupt CFTR protein function with a negative predictive value of 80%. In summary, the available evidence is currently insufficient to determine the role of this variant in disease. Therefore, it has been classified as a Variant of Uncertain Significance.

Ambry Genetics
Classification: Uncertain significance for Cystic fibrosis. Last evaluated: 2023-05-10. Review status: criteria provided, single submitter. Criteria: Ambry Variant Classification Scheme 2023. Collection method: clinical testing. Allele origin: germline.
Comment: The p.A234S variant (also known as c.700G>T), located in coding exon 6 of the CFTR gene, results from a G to T substitution at nucleotide position 700. The alanine at codon 234 is replaced by serine, an amino acid with similar properties. This amino acid position is not well conserved in available vertebrate species. In addition, the in silico prediction for this alteration is inconclusive. Since supporting evidence is limited at this time, the clinical significance of this alteration remains unclear.

NM_000492.4(CFTR):c.700G>T (p.Ala234Ser)

Gene: CFTR (CF transmembrane conductance regulator; plus strand). Cytogenetic location: 7q31.2.
Variant type: single nucleotide variant.
Coding change: c.700G>T on transcript NM_000492.4 (MANE Select); coding-DNA position 700, G replaced by T.
Protein change: p.Ala234Ser; replaces alanine 234 with serine.
Molecular consequence: missense variant.
Genome position (GRCh38, 1-based): chr7:117,535,368, G>T. VCF-style: chr7-117535368-G-T. GRCh37 (hg19) VCF-style: chr7-117175422-G-T.
Other names: short protein forms A234S.
Identifiers: ClinVar variation 1756683 (VCV001756683.5), dbSNP rs763097577, ClinGen allele CA4450803.